The following is an entry in ClinVar:

NM_001457.4(FLNB):c.1354C>G (p.Pro452Ala)

Gene: FLNB (filamin B; plus strand). Cytogenetic location: 3p14.3.
Variant type: single nucleotide variant.
Coding change: c.1354C>G on transcript NM_001457.4 (MANE Select); coding-DNA position 1354, C replaced by G.
Protein change: p.Pro452Ala; replaces proline 452 with alanine.
Molecular consequence: missense variant.
Genome position (GRCh38, 1-based): chr3:58,102,211, C>G. VCF-style: chr3-58102211-C-G. GRCh37 (hg19) VCF-style: chr3-58087938-C-G.
Other names: c.1354C>G, p.Pro452Ala (NM_001164317.2, NM_001164318.2, NM_001164319.2); short protein forms P452A.
Identifiers: ClinVar variation 3357747 (VCV003357747.1).

ClinVar aggregate classification (germline): Uncertain significance (0 of 4 stars; one submission).

Conditions:
FLNB-related disorder. Also called: FLNB-related disorders; FLNB-related condition. Identifiers: MedGen CN381095.

gnomAD v4.1: 1 of 1,614,220 alleles (0.000062%); highest among the groups gnomAD compares: Admixed American, 0.0017%; no homozygotes.

Submission:

PreventionGenetics, part of Exact Sciences
Classification: Uncertain significance for FLNB-related condition. Last evaluated: 2024-04-12. Review status: no assertion criteria provided. Collection method: clinical testing. Allele origin: germline.
Comment: The FLNB c.1354C>G variant is predicted to result in the amino acid substitution p.Pro452Ala. To our knowledge, this variant has not been reported in the literature or in a large population database, indicating this variant is rare. At this time, the clinical significance of this variant is uncertain due to the absence of conclusive functional and genetic evidence.